The following is an entry in ClinVar:

ClinVar aggregate classification (germline): Likely benign. Review status: criteria provided, multiple submitters, no conflicts (2 of 4 stars). 4 submissions from 4 submitters: Likely benign (4). Last evaluated 2025-04-17.

Conditions:
Arrhythmogenic right ventricular cardiomyopathy (ARVD). Also called: Cardiomyopathy, ARVC; Arrhythmogenic right ventricular dysplasia; Arrhythmogenic cardiomyopathy; Arrhythmogenic Right Ventricular Cardiomyopathy (ARVC). Identifiers: Orphanet 247, MedGen C0349788, MeSH D019571, MONDO:0016587. Disease mechanism: loss of function. Inheritance: Various modes of inheritance.
Cardiomyopathy (CMYO). Also called: Cardiomyopathies. Identifiers: Orphanet 167848, MedGen C0878544, MONDO:0004994, HP:0001638. Inheritance: Various modes of inheritance.
Arrhythmogenic right ventricular dysplasia 10. Also called: Arrhythmogenic Right Ventricular Dysplasia/Cardiomyopathy10; Arrhythmogenic right ventricular dysplasia/cardiomyopathy, type 10; ARRHYTHMOGENIC RIGHT VENTRICULAR DYSPLASIA, FAMILIAL, 10. Identifiers: MedGen C1857777, MONDO:0012434, OMIM 610193.

Allele frequency attached by ClinVar (database versions not stated): gnomAD exomes below 0.00001 and 0.00001; ExAC 0.00001.
gnomAD v4.1: 7 of 1,614,190 alleles (0.00043%); highest among the groups gnomAD compares: Admixed American, 0.0033%; no homozygotes.

Submissions (4):

Labcorp Genetics (formerly Invitae), Labcorp
Classification: Likely benign for Arrhythmogenic right ventricular dysplasia 10. Last evaluated: 2025-04-17. Review status: criteria provided, single submitter. Criteria: Invitae Variant Classification Sherloc (09022015). Collection method: clinical testing. Allele origin: germline.

All of Us Research Program, National Institutes of Health
Classification: Likely benign for Arrhythmogenic right ventricular cardiomyopathy. Last evaluated: 2024-05-09. Review status: criteria provided, single submitter. Criteria: ACMG Guidelines, 2015. Collection method: clinical testing. Allele origin: germline. Inheritance: Autosomal dominant inheritance. Observed: 1 variant allele, 1 heterozygote.
Comment: This study involves interpretation of variants in research participants for the purpose of population health screening. Participant phenotype was not available at the time of variant classification. Additional details can be found in publication PMID: 35346344, PMCID: PMC8962531

Blueprint Genetics
Classification: Likely benign. Last evaluated: 2023-12-12. Review status: criteria provided, single submitter. Criteria: ACMG Guidelines, 2015. Collection method: clinical testing. Allele origin: germline.

Color Diagnostics, LLC DBA Color Health
Classification: Likely benign for Cardiomyopathy. Last evaluated: 2019-10-30. Review status: criteria provided, single submitter. Criteria: ACMG Guidelines, 2015. Collection method: clinical testing. Allele origin: germline.

NM_001943.5(DSG2):c.720A>G (p.Glu240=)

Gene: DSG2 (desmoglein 2; plus strand). Cytogenetic location: 18q12.1.
Variant type: single nucleotide variant.
Coding change: c.720A>G on transcript NM_001943.5 (MANE Select); coding-DNA position 720, A replaced by G.
Protein change: p.Glu240=; no amino-acid change (glutamic acid 240 retained).
Molecular consequence: synonymous variant.
Genome position (GRCh38, 1-based): chr18:31,524,477, A>G. VCF-style: chr18-31524477-A-G. GRCh37 (hg19) VCF-style: chr18-29104440-A-G.
Identifiers: ClinVar variation 920903 (VCV000920903.11), dbSNP rs756024562, ClinGen allele CA049816.